The following is an entry in ClinVar:

NM_003072.5(SMARCA4):c.2729C>T (p.Thr910Met)

Gene: SMARCA4 (SWI/SNF related BAF chromatin remodeling complex subunit ATPase 4; plus strand). Cytogenetic location: 19p13.2.
Variant type: single nucleotide variant.
Coding change: c.2729C>T on transcript NM_003072.5 (MANE Select); coding-DNA position 2729, C replaced by T.
Protein change: p.Thr910Met; replaces threonine 910 with methionine.
Molecular consequence: missense variant. On other transcripts: non-coding transcript variant (1).
Genome position (GRCh38, 1-based): chr19:11,021,837, C>T. VCF-style: chr19-11021837-C-T. GRCh37 (hg19) VCF-style: chr19-11132513-C-T.
Other names: c.2729C>T, p.Thr910Met (NM_001128844.3, NM_001128845.2, NM_001128846.2 and 5 more transcripts); short protein forms T910M.
Identifiers: ClinVar variation 438790 (VCV000438790.10), dbSNP rs1238758086, ClinGen allele CA404056219.

ClinVar aggregate classification (germline): Uncertain significance. Review status: criteria provided, multiple submitters, no conflicts (2 of 4 stars). 3 submissions from 3 submitters: Uncertain significance (2). 1 of the submissions does not count toward it. Last evaluated 2024-02-01.
ClinVar aggregate classification (somatic clinical impact): Tier I - Strong. Review status: criteria provided, single submitter (1 of 4 stars). 6 submissions from 1 submitter. 4 of the submissions do not count toward it. Last evaluated 2024-12-10.
ClinVar aggregate classification (oncogenicity): Oncogenic (1 of 4 stars; one submission).

Conditions:
Hereditary cancer-predisposing syndrome. Also called: Hereditary neoplastic syndrome; Tumor predisposition; Neoplastic Syndromes, Hereditary; Hereditary Cancer Syndrome. Identifiers: Orphanet 140162, MedGen C0027672, MeSH D009386, MONDO:0015356.
Rhabdoid tumor predisposition syndrome 2 (RTPS2). Identifiers: Orphanet 231108, Orphanet 69077, MedGen C2750074, MONDO:0013224, OMIM 613325.
Medulloblastoma (MDB). Also called: Medulloblastoma, somatic; MEDULLOBLASTOMA PREDISPOSITION SYNDROME. Identifiers: Orphanet 616, MedGen C0025149, MeSH D008527, MONDO:0007959, OMIM 155255, HP:0002885.
Diffuse pediatric-type high-grade glioma, H3-wildtype and IDH-wildtype. Identifiers: MedGen C5669918, MONDO:0858939.
Nasopharyngeal carcinoma. Also called: Nasopharyngeal carcinoma, somatic. Identifiers: Orphanet 150, MedGen C2931822, MONDO:0015459, OMIM 607107.
Neuroblastoma (NB). Identifiers: Orphanet 635, MedGen C0027819, MeSH D009447, MONDO:0005072, HP:0003006.
Medulloblastoma SHH activated. Identifiers: MedGen C4330671, MONDO:0850197.
Medulloblastoma non-WNT/non-SHH. Identifiers: MedGen C4330667, MONDO:0850198.
Medulloblastoma WNT activated. Identifiers: MedGen C4331965, MONDO:0850196.
Neoplasm. Also called: Neoplasms; Neoplasm (disease); tumor. Identifiers: MedGen C0027651, MeSH D009369, MONDO:0005070, HP:0002664.

Submissions 1 to 8 of 10:

Center for Genomic Medicine, Rigshospitalet, Copenhagen University Hospital
Classification: Oncogenic for Neoplasm. Last evaluated: 2026-10-16. Review status: criteria provided, single submitter. Criteria: ClinGen/CGC/VICC Guidelines for Oncogenicity, 2022. Collection method: clinical testing. Allele origin: somatic. Affected: yes.

Institute for Genomic Medicine (IGM) Clinical Laboratory, Nationwide Children's Hospital
Classification: Tier II - Potential for Medulloblastoma SHH activated. Assertion type: diagnostic. Clinical significance: supports diagnosis. Last evaluated: 2025-10-14. Review status: criteria provided, single submitter. Criteria: AMP/ASCO/CAP Guidelines, 2017. Collection method: clinical testing. Allele origin: somatic. Affected: yes. Not counted in ClinVar's aggregate classification.
Comment: Variant has Tier II (potential) clinical significance as a diagnostic inclusion criterion in medulloblastoma SHH activated, based on the following evidence: 1) Documented in one or more cancer databases (e.g., St. Jude Pecan, COSMIC, CIViC, OncoKB). 2) Information in the literature supports potential biologic effect of variant (PMID: 33144586). 3) Diagnostic significance based on multiple small studies (Evidence Level C; PMIDs: 28726821, 22722829, 33741928, 21163964, 22832583, 22820256).

Institute for Genomic Medicine (IGM) Clinical Laboratory, Nationwide Children's Hospital
Classification: Tier II - Potential for Neuroblastoma. Assertion type: diagnostic. Clinical significance: supports diagnosis. Last evaluated: 2025-05-19. Review status: criteria provided, single submitter. Criteria: AMP/ASCO/CAP Guidelines, 2017. Collection method: clinical testing. Allele origin: somatic. Affected: yes. Not counted in ClinVar's aggregate classification.
Comment: Variant has Tier II (potential) clinical significance as a diagnostic inclusion criterion in neuroblastoma, based on the following evidence: 1) Documented in one or more cancer databases (e.g., St. Jude Pecan, COSMIC, CIViC, OncoKB). 2) Information in the literature supports potential biologic effect of variant (PMID: 33144586). 3) Diagnostic significance based on multiple small studies (Evidence Level C; PMIDs: 31018240, 33056981, 29992558, 36813544).

Institute for Genomic Medicine (IGM) Clinical Laboratory, Nationwide Children's Hospital
Classification: Tier II - Potential for Diffuse pediatric-type high-grade glioma, H3-wildtype and IDH-wildtype. Assertion type: diagnostic. Clinical significance: supports diagnosis. Last evaluated: 2024-12-17. Review status: criteria provided, single submitter. Criteria: AMP/ASCO/CAP Guidelines, 2017. Collection method: clinical testing. Allele origin: somatic. Affected: yes. Not counted in ClinVar's aggregate classification.
Comment: Variant has Tier II (potential) clinical significance as a diagnostic inclusion criterion in diffuse pediatric-type high-grade glioma, H3-wildtype and IDH-wildtype, based on the following evidence: 1) Documented in one or more cancer databases (e.g., St. Jude Pecan, COSMIC, CIViC, OncoKB). 2) Information in the literature supports potential biologic effect of variant (PMIDs: 26842758, 30858614, 31996670). 3) Diagnostic significance based on multiple small studies (Evidence Level C; PMIDs: 27579614, 24336570, 23276717, 37328659).

Institute for Genomic Medicine (IGM) Clinical Laboratory, Nationwide Children's Hospital
Classification: Tier I - Strong for Medulloblastoma WNT activated. Assertion type: diagnostic. Clinical significance: supports diagnosis. Last evaluated: 2024-12-10. Review status: criteria provided, single submitter. Criteria: AMP/ASCO/CAP Guidelines, 2017. Collection method: clinical testing. Allele origin: somatic. Affected: yes.
Comment: Variant has Tier I (strong) clinical significance as a diagnostic inclusion criterion in medulloblastoma WNT activated, based on the following evidence: 1) Documented in one or more cancer databases (e.g., St. Jude Pecan, COSMIC, CIViC, OncoKB). 2) Appears in one or more well-established professional guidelines (e.g., World Health Organization [WHO]; National Comprehensive Cancer Network [NCCN]) as providing diagnostic, prognostic, or therapeutic information. 3) Information in the literature supports potential biologic effect of variant (PMIDs: 26842758, 30858614, 31996670). 4) Diagnostic for a specific tumor type/classification based on well-powered studies with expert-level consensus (Evidence Level B; PMIDs: 22820256, 22832583, 23432644, 28726821).

Institute for Genomic Medicine (IGM) Clinical Laboratory, Nationwide Children's Hospital
Classification: Tier I - Strong for Medulloblastoma non-WNT/non-SHH. Assertion type: diagnostic. Clinical significance: supports diagnosis. Last evaluated: 2024-10-21. Review status: criteria provided, single submitter. Criteria: AMP/ASCO/CAP Guidelines, 2017. Collection method: clinical testing. Allele origin: somatic. Affected: yes.
Comment: Variant has Tier I (strong) clinical significance as a diagnostic inclusion criterion in medulloblastoma non-WNT/non-SHH, based on the following evidence: 1) Documented in one or more cancer databases (e.g., St. Jude Pecan, COSMIC, CIViC, OncoKB). 2) Appears in one or more well-established professional guidelines (e.g., World Health Organization [WHO]; National Comprehensive Cancer Network [NCCN]) as providing diagnostic, prognostic, or therapeutic information. 3) Information in the literature supports potential biologic effect of variant (PMIDs: 26842758, 23698369, 31996670, 30858614). 4) Diagnostic for a specific tumor type/classification based on well-powered studies with expert-level consensus (Evidence Level B; PMIDs: 21163964, 28726821, 22820256, 22832583, 22722829, 23432644).

Ambry Genetics
Classification: Uncertain significance for Hereditary cancer-predisposing syndrome. Last evaluated: 2024-02-01. Review status: criteria provided, single submitter. Criteria: Ambry Variant Classification Scheme 2023. Collection method: clinical testing. Allele origin: germline.
Comment: The p.T910M variant (also known as c.2729C>T), located in coding exon 18 of the SMARCA4 gene, results from a C to T substitution at nucleotide position 2729. The threonine at codon 910 is replaced by methionine, an amino acid with similar properties. One functional study showed compromised ATPase activity, which in turn affected the recruitment of the enzyme topoisomerase I to the chromatin (Husain A et al. Nat Commun 2016 Feb;7:10549). This amino acid position is highly conserved in available vertebrate species. In addition, this alteration is predicted to be deleterious by in silico analysis. Based on the available evidence, the clinical significance of this alteration remains unclear.

Institute for Genomic Medicine (IGM) Clinical Laboratory, Nationwide Children's Hospital
Classification: Tier II - Potential for Nasopharyngeal carcinoma. Assertion type: diagnostic. Clinical significance: supports diagnosis. Last evaluated: 2023-05-29. Review status: criteria provided, single submitter. Criteria: AMP/ASCO/CAP Guidelines, 2017. Collection method: clinical testing. Allele origin: somatic. Affected: yes. Not counted in ClinVar's aggregate classification.
Comment: Variant has Tier II (potential) clinical significance as a diagnostic inclusion criterion in nasopharyngeal carcinoma, based on the following evidence: 1) Documented in one or more cancer databases (e.g., St. Jude Pecan, COSMIC, CIViC, OncoKB). 2) Information in the literature supports potential biologic effect of variant (PMIDs: 26842758, 23698369, 31996670, 30858614). 3) Diagnostic significance based on multiple small studies (Evidence Level C; PMIDs: 33144586, 28726821, 22832583, 22820256, 23432644, 33960520).